The following is an entry in ClinVar:

NM_004859.4(CLTC):c.*6A>G

Gene: CLTC (clathrin heavy chain; plus strand). Cytogenetic location: 17q23.1.
Variant type: single nucleotide variant.
Coding change: c.*6A>G on transcript NM_004859.4 (MANE Select); 6 bases downstream of the stop codon, A replaced by G.
Molecular consequence: 3 prime UTR variant.
Genome position (GRCh38, 1-based): chr17:59,693,858, A>G. VCF-style: chr17-59693858-A-G. GRCh37 (hg19) VCF-style: chr17-57771219-A-G.
Other names: c.*6A>G (NM_001288653.2).
Identifiers: ClinVar variation 3040231 (VCV003040231.2), dbSNP rs941861509, ClinGen allele CA292124655.

ClinVar aggregate classification (germline): Likely benign (0 of 4 stars; one submission).

Conditions:
CLTC-related disorder. Also called: CLTC-related condition.

Allele frequency attached by ClinVar (database versions not stated): gnomAD 0.00001; gnomAD exomes 0.00001; TOPMed 0.00001.
gnomAD v4.1: 5 of 1,608,218 alleles (0.00031%); highest among the groups gnomAD compares: Non-Finnish European, 0.00042%; no homozygotes.

Submission:

PreventionGenetics, part of Exact Sciences
Classification: Likely benign for CLTC-related condition. Last evaluated: 2019-09-17. Review status: no assertion criteria provided. Collection method: clinical testing. Allele origin: germline.
Comment: This variant is classified as likely benign based on ACMG/AMP sequence variant interpretation guidelines (Richards et al. 2015 PMID: 25741868, with internal and published modifications).